The following is an entry in ClinVar:

ClinVar aggregate classification (germline): Uncertain significance (1 of 4 stars; one submission).

gnomAD v4.1: 1 of 1,435,894 alleles (0.00007%); highest among the groups gnomAD compares: Non-Finnish European, 0.000091%; no homozygotes.

Submission:

GeneDx
Classification: Uncertain significance. Last evaluated: 2026-04-01. Review status: criteria provided, single submitter. Criteria: GeneDx Variant Classification Process June 2021. Collection method: clinical testing. Allele origin: germline.
Comment: Not observed at significant frequency in large population cohorts (gnomAD); In silico analysis suggests that this missense variant does not alter protein structure/function; Has not been previously published as pathogenic or benign to our knowledge

NM_001195605.2(ZNF865):c.490C>G (p.Arg164Gly)

Gene: ZNF865 (zinc finger protein 865; plus strand). Cytogenetic location: 19q13.42.
Variant type: single nucleotide variant.
Coding change: c.490C>G on transcript NM_001195605.2 (MANE Select); coding-DNA position 490, C replaced by G.
Protein change: p.Arg164Gly; replaces arginine 164 with glycine.
Molecular consequence: missense variant.
Genome position (GRCh38, 1-based): chr19:55,614,108, C>G. VCF-style: chr19-55614108-C-G. GRCh37 (hg19) VCF-style: chr19-56125474-C-G.
Other names: short protein forms R164G.
Identifiers: ClinVar variation 5017999 (VCV005017999.1).